The following is an entry in ClinVar:

ClinVar aggregate classification (germline): Uncertain significance (1 of 4 stars; one submission).

Conditions:
Galactosylceramide beta-galactosidase deficiency. Also called: Leukodystrophy, Globoid Cell; GALACTOCEREBROSIDASE DEFICIENCY; GALC DEFICIENCY; GLOBOID CELL LEUKOENCEPHALOPATHY; Krabbe Disease. Identifiers: Orphanet 487, MedGen C0023521, MONDO:0009499, OMIM 245200.

Allele frequency attached by ClinVar (database versions not stated): ExAC 0.00008.
gnomAD v4.1: 6 of 1,514,346 alleles (0.0004%); highest among the groups gnomAD compares: South Asian, 0.0061%; no homozygotes.

Submission:

Labcorp Genetics (formerly Invitae), Labcorp
Classification: Uncertain significance for Galactosylceramide beta-galactosidase deficiency. Last evaluated: 2022-03-16. Review status: criteria provided, single submitter. Criteria: Invitae Variant Classification Sherloc (09022015). Collection method: clinical testing. Allele origin: germline.
Comment: This sequence change falls in intron 1 of the GALC gene. It does not directly change the encoded amino acid sequence of the GALC protein. It affects a nucleotide within the consensus splice site. The frequency data for this variant in the population databases is considered unreliable, as metrics indicate poor data quality at this position in the gnomAD database. This variant has not been reported in the literature in individuals affected with GALC-related conditions. Variants that disrupt the consensus splice site are a relatively common cause of aberrant splicing (PMID: 17576681, 9536098). Algorithms developed to predict the effect of sequence changes on RNA splicing suggest that this variant is not likely to affect RNA splicing. In summary, the available evidence is currently insufficient to determine the role of this variant in disease. Therefore, it has been classified as a Variant of Uncertain Significance.

Literature cited by the submitters: PubMed 17576681; PubMed 9536098.

NM_000153.4(GALC):c.195+6C>T

Genes: GALC (galactosylceramidase; minus strand), LOC130056217 (ATAC-STARR-seq lymphoblastoid silent region 5988; plus strand). Cytogenetic location: 14q31.3.
Variant type: single nucleotide variant.
Coding change: c.195+6C>T on transcript NM_000153.4 (MANE Select); 6 bases into the intron after coding-DNA position 195, C replaced by T.
Molecular consequence: intron variant.
Genome position (GRCh38, 1-based): chr14:87,992,964, G>A on the plus strand (C>T on the coding strand, the complement: GALC is on the minus strand). VCF-style: chr14-87992964-G-A. GRCh37 (hg19) VCF-style: chr14-88459308-G-A.
Other names: c.117+419C>T (NM_001201402.2); c.195+6C>T (NM_001201401.2).
Identifiers: ClinVar variation 2159238 (VCV002159238.1), dbSNP rs766312432, ClinGen allele CA7297490.
Genomic context (GRCh38, chr14:87,992,964, plus strand): 5'-TGTGGGGCTGGCCCCACGGGGCGGGCTCTTGCCGCCCCCCGCGTATCCCCGCAGCTTGCC[G>A]CTCACCCCGCCGCCGCTGACCGCGCCGATGCCGTCGAACTCCCGGCCCAGCCCGTCGGAG-3'